The following is an entry in ClinVar:

NM_015335.5(MED13L):c.731C>T (p.Pro244Leu)

Gene: MED13L (mediator complex subunit 13L; minus strand). Cytogenetic location: 12q24.21.
Variant type: single nucleotide variant.
Coding change: c.731C>T on transcript NM_015335.5 (MANE Select); coding-DNA position 731, C replaced by T.
Protein change: p.Pro244Leu; replaces proline 244 with leucine.
Molecular consequence: missense variant.
Genome position (GRCh38, 1-based): chr12:116,019,867, G>A on the plus strand (C>T on the coding strand, the complement: MED13L is on the minus strand). VCF-style: chr12-116019867-G-A. GRCh37 (hg19) VCF-style: chr12-116457672-G-A.
Other names: short protein forms P244L.
Identifiers: ClinVar variation 1218938 (VCV001218938.6), dbSNP rs775015157, ClinGen allele CA6811588.

ClinVar aggregate classification (germline): Conflicting classifications of pathogenicity. Review status: criteria provided, conflicting classifications (1 of 4 stars). 2 submissions from 2 submitters: Uncertain significance (1); Benign (1). Last evaluated 2023-12-06.

Conditions:
Dextro-looped transposition of the great arteries. Also called: Dextrotransposition of the great arteries. Identifiers: Orphanet 860, MedGen C3531771, MONDO:0019443, OMIM 608808, HP:0031348.

Allele frequency attached by ClinVar (database versions not stated): gnomAD exomes below 0.00001; ExAC 0.00001; gnomAD 0.00001.
gnomAD v4.1: 4 of 1,613,498 alleles (0.00025%); highest among the groups gnomAD compares: Admixed American, 0.0017%; no homozygotes.

Submissions (2):

Labcorp Genetics (formerly Invitae), Labcorp
Classification: Benign for Dextro-looped transposition of the great arteries. Last evaluated: 2023-12-06. Review status: criteria provided, single submitter. Criteria: Invitae Variant Classification Sherloc (09022015). Collection method: clinical testing. Allele origin: germline.

GeneDx
Classification: Uncertain significance. Last evaluated: 2020-06-29. Review status: criteria provided, single submitter. Criteria: GeneDx Variant Classification Process June 2021. Collection method: clinical testing. Allele origin: germline. Affected: yes.
Comment: In silico analysis supports that this missense variant has a deleterious effect on protein structure/function; Has not been previously published as pathogenic or benign to our knowledge